The following is an entry in ClinVar:

NM_022132.5(MCCC2):c.76_77del (p.Asp26fs)

Gene: MCCC2 (methylcrotonyl-CoA carboxylase subunit 2; plus strand). Cytogenetic location: 5q13.2.
Variant type: Deletion.
Coding change: c.76_77del on transcript NM_022132.5 (MANE Select); coding-DNA positions 76 to 77, 2 bases deleted (GA; older notation c.76_77delGA).
Protein change: p.Asp26fs; shifts the reading frame from aspartic acid 26.
Molecular consequence: frameshift variant.
Genome position (GRCh38, 1-based): chr5:71,587,501-71,587,502, GA deleted. VCF-style (leftmost placement, unchanged base first): chr5-71587500-GGA-G. GRCh37 (hg19) VCF-style: chr5-70883327-GGA-G.
Other names: c.76_77del, p.Asp26fs (NM_001363147.1); short protein forms D26fs.
Identifiers: ClinVar variation 1076539 (VCV001076539.7), dbSNP rs2112251301, ClinGen allele CA2499217884.
Genomic context (GRCh38, chr5:71,587,500, plus strand): 5'-GAGGTTAGCCCTGCGGCCGTGTGCCCGCGCCTCTCCCGCCGGGCCGCGCGCCTATCACGG[GGA>G]CTCGGTGGCCTCGCTGGGCACCCAGCCGGACTTGGGCTCTGCCCTCTACCAGGTAGGCTG-3'

ClinVar aggregate classification (germline): Pathogenic (1 of 4 stars; one submission).

Conditions:
3-methylcrotonyl-CoA carboxylase 2 deficiency. Also called: METHYLCROTONYLGLYCINURIA, TYPE II; 3 alpha methylcrotonyl-CoA carboxylase 2 deficiency; 3 alpha methylcrotonylglycinuria 2; MCC 2 deficiency; Methylcrotonylglycinuria type 2. Identifiers: Orphanet 6, MedGen C1859499, MONDO:0008862, OMIM 210210.

Submission:

Labcorp Genetics (formerly Invitae), Labcorp
Classification: Pathogenic for 3-methylcrotonyl-CoA carboxylase 2 deficiency. Last evaluated: 2020-02-29. Review status: criteria provided, single submitter. Criteria: Invitae Variant Classification Sherloc (09022015). Collection method: clinical testing. Allele origin: germline.
Comment: Loss-of-function variants in MCCC2 are known to be pathogenic (PMID: 11181649, 22642865). This sequence change creates a premature translational stop signal (p.Asp26Leufs*32) in the MCCC2 gene. It is expected to result in an absent or disrupted protein product. The frequency data for this variant in the population databases is considered unreliable, as metrics indicate insufficient coverage at this position in the ExAC database. This variant has not been reported in the literature in individuals with MCCC2-related conditions. For these reasons, this variant has been classified as Pathogenic.

Literature cited by the submitters: PubMed 11181649; PubMed 22642865.